The following is an entry in ClinVar:

NM_006017.3(PROM1):c.2020G>T (p.Ala674Ser)

Gene: PROM1 (prominin 1; minus strand). Cytogenetic location: 4p15.32.
Variant type: single nucleotide variant.
Coding change: c.2020G>T on transcript NM_006017.3 (MANE Select); coding-DNA position 2020, G replaced by T.
Protein change: p.Ala674Ser; replaces alanine 674 with serine.
Molecular consequence: missense variant.
Genome position (GRCh38, 1-based): chr4:15,989,788, C>A on the plus strand (G>T on the coding strand, the complement: PROM1 is on the minus strand). VCF-style: chr4-15989788-C-A. GRCh37 (hg19) VCF-style: chr4-15991411-C-A.
Other names: c.1993G>T, p.Ala665Ser (NM_001145847.2, NM_001145848.2, NM_001145851.2 and 4 more transcripts); c.2020G>T, p.Ala674Ser (NM_001145849.2, NM_001145850.2); short protein forms A674S, A665S.
Identifiers: ClinVar variation 865864 (VCV000865864.5), dbSNP rs775321230, ClinGen allele CA2866542.

ClinVar aggregate classification (germline): Uncertain significance. Review status: criteria provided, multiple submitters, no conflicts (2 of 4 stars). 2 submissions from 2 submitters: Uncertain significance (2). Last evaluated 2023-07-21.

Allele frequency attached by ClinVar (database versions not stated): ExAC 0.00001; TOPMed 0.00001.
gnomAD v4.1: 2 of 1,609,134 alleles (0.00012%); highest among the groups gnomAD compares: Admixed American, 0.0017%; no homozygotes.

Submissions (2):

Labcorp Genetics (formerly Invitae), Labcorp
Classification: Uncertain significance. Last evaluated: 2023-07-21. Review status: criteria provided, single submitter. Criteria: Invitae Variant Classification Sherloc (09022015). Collection method: clinical testing. Allele origin: germline.
Comment: ClinVar contains an entry for this variant (Variation ID: 865864). In summary, the available evidence is currently insufficient to determine the role of this variant in disease. Therefore, it has been classified as a Variant of Uncertain Significance. Advanced modeling of protein sequence and biophysical properties (such as structural, functional, and spatial information, amino acid conservation, physicochemical variation, residue mobility, and thermodynamic stability) performed at Invitae indicates that this missense variant is not expected to disrupt PROM1 protein function. This variant has not been reported in the literature in individuals affected with PROM1-related conditions. This variant is not present in population databases (gnomAD no frequency). This sequence change replaces alanine, which is neutral and non-polar, with serine, which is neutral and polar, at codon 674 of the PROM1 protein (p.Ala674Ser).

Blueprint Genetics
Classification: Uncertain significance. Last evaluated: 2019-01-22. Review status: criteria provided, single submitter. Criteria: ACMG Guidelines, 2015. Collection method: clinical testing. Allele origin: germline.